The following is an entry in ClinVar:

NM_000051.4(ATM):c.7309T>G (p.Tyr2437Asp)

Genes: ATM (ATM serine/threonine kinase; plus strand), C11orf65 (chromosome 11 open reading frame 65; minus strand). Cytogenetic location: 11q22.3.
Variant type: single nucleotide variant.
Coding change: c.7309T>G on transcript NM_000051.4 (MANE Select); coding-DNA position 7309, T replaced by G.
Protein change: p.Tyr2437Asp; replaces tyrosine 2437 with aspartic acid.
Molecular consequence: missense variant. On other transcripts: intron variant (2).
Genome position (GRCh38, 1-based): chr11:108,330,215, T>G. VCF-style: chr11-108330215-T-G. GRCh37 (hg19) VCF-style: chr11-108200942-T-G.
Other names: c.7309T>G, p.Tyr2437Asp (NM_001351834.2); c.641-21144A>C (NM_001330368.2); c.*38+5005A>C (NM_001351110.2); short protein forms Y2437D.
Identifiers: ClinVar variation 2571795 (VCV002571795.1), dbSNP rs1565529213, ClinGen allele CA382559861.

ClinVar aggregate classification (germline): Uncertain significance (1 of 4 stars; one submission).

Submission:

GeneDx
Classification: Uncertain significance. Last evaluated: 2023-06-14. Review status: criteria provided, single submitter. Criteria: GeneDx Variant Classification Process June 2021. Collection method: clinical testing. Allele origin: germline. Affected: yes.
Comment: Not observed at significant frequency in large population cohorts (gnomAD); In silico analysis supports that this missense variant has a deleterious effect on protein structure/function; Has not been previously published as pathogenic or benign to our knowledge; In silico analysis is inconclusive as to whether the variant alters gene splicing. In the absence of RNA/functional studies, the actual effect of this sequence change is unknown.; This variant is associated with the following publications: (PMID: 27150160, 29449575, 23532176)